The following is an entry in ClinVar:

NM_000435.3(NOTCH3):c.1179C>A (p.Asp393Glu)

Gene: NOTCH3 (notch receptor 3; minus strand). Cytogenetic location: 19p13.12.
Variant type: single nucleotide variant.
Coding change: c.1179C>A on transcript NM_000435.3 (MANE Select); coding-DNA position 1179, C replaced by A.
Protein change: p.Asp393Glu; replaces aspartic acid 393 with glutamic acid.
Molecular consequence: missense variant.
Genome position (GRCh38, 1-based): chr19:15,189,286, G>T on the plus strand (C>A on the coding strand, the complement: NOTCH3 is on the minus strand). VCF-style: chr19-15189286-G-T. GRCh37 (hg19) VCF-style: chr19-15300097-G-T.
Other names: short protein forms D393E.
Identifiers: ClinVar variation 2109744 (VCV002109744.4), dbSNP rs753211079, ClinGen allele CA404528616.

ClinVar aggregate classification (germline): Uncertain significance (1 of 4 stars; one submission).

Submission:

Labcorp Genetics (formerly Invitae), Labcorp
Classification: Uncertain significance. Last evaluated: 2022-03-15. Review status: criteria provided, single submitter. Criteria: Invitae Variant Classification Sherloc (09022015). Collection method: clinical testing. Allele origin: germline.
Comment: This sequence change replaces aspartic acid, which is acidic and polar, with glutamic acid, which is acidic and polar, at codon 393 of the NOTCH3 protein (p.Asp393Glu). In summary, the available evidence is currently insufficient to determine the role of this variant in disease. Therefore, it has been classified as a Variant of Uncertain Significance. Advanced modeling of protein sequence and biophysical properties (such as structural, functional, and spatial information, amino acid conservation, physicochemical variation, residue mobility, and thermodynamic stability) performed at Invitae indicates that this missense variant is not expected to disrupt NOTCH3 protein function. This variant has not been reported in the literature in individuals affected with NOTCH3-related conditions. This variant is not present in population databases (gnomAD no frequency).